The following is an entry in ClinVar:

ClinVar aggregate classification (germline): Uncertain significance. Review status: criteria provided, multiple submitters, no conflicts (2 of 4 stars). 2 submissions from 2 submitters: Uncertain significance (2). Last evaluated 2024-11-03.

Conditions:
Inborn genetic diseases. Identifiers: MedGen C0950123, MeSH D030342.
Immunodeficiency 104. Also called: Severe Combined Immune Deficiency, Autosomal Recessive, TCell -Negative, B Cell-Positive, NK Cell-Positive, IL7R-Related; SCID, AUTOSOMAL RECESSIVE, T CELL-NEGATIVE, B CELL-POSITIVE, NK CELL-POSITIVE; Severe combined immunodeficiency, autosomal recessive, T cell-negative, B cell-positive, NK cell-positive; IMMUNODEFICIENCY 104, SEVERE COMBINED. Identifiers: MedGen C5676890, MONDO:0012163, OMIM 608971.

Allele frequency attached by ClinVar (database versions not stated): gnomAD exomes 0.00001; gnomAD 0.00005; TOPMed 0.00006.

Submissions (2):

Labcorp Genetics (formerly Invitae), Labcorp
Classification: Uncertain significance for Immunodeficiency 104. Last evaluated: 2024-11-03. Review status: criteria provided, single submitter. Criteria: Invitae Variant Classification Sherloc (09022015). Collection method: clinical testing. Allele origin: germline.
Comment: This sequence change replaces histidine, which is basic and polar, with glutamine, which is neutral and polar, at codon 363 of the PTPRC protein (p.His363Gln). This variant is not present in population databases (gnomAD no frequency). This variant has not been reported in the literature in individuals affected with PTPRC-related conditions. ClinVar contains an entry for this variant (Variation ID: 1473767). An algorithm developed to predict the effect of missense changes on protein structure and function outputs the following: PolyPhen-2: "Benign". The glutamine amino acid residue is found in multiple mammalian species, which suggests that this missense change does not adversely affect protein function. In summary, the available evidence is currently insufficient to determine the role of this variant in disease. Therefore, it has been classified as a Variant of Uncertain Significance.

Ambry Genetics
Classification: Uncertain significance for Inborn genetic diseases. Last evaluated: 2024-07-22. Review status: criteria provided, single submitter. Criteria: Ambry Variant Classification Scheme 2023. Collection method: clinical testing. Allele origin: germline.

NM_002838.5(PTPRC):c.1089T>G (p.His363Gln)

Gene: PTPRC (protein tyrosine phosphatase receptor type C; plus strand). Cytogenetic location: 1q32.1.
Variant type: single nucleotide variant.
Coding change: c.1089T>G on transcript NM_002838.5 (MANE Select); coding-DNA position 1089, T replaced by G.
Protein change: p.His363Gln; replaces histidine 363 with glutamine.
Molecular consequence: missense variant.
Genome position (GRCh38, 1-based): chr1:198,709,742, T>G. VCF-style: chr1-198709742-T-G. GRCh37 (hg19) VCF-style: chr1-198678871-T-G.
Other names: c.606T>G, p.His202Gln (NM_080921.4); c.1083T>G (NM_002838.3); short protein forms H202Q, H363Q.
Identifiers: ClinVar variation 1473767 (VCV001473767.5), dbSNP rs1289810255, ClinGen allele CA344035065.